The following is an entry in ClinVar:

ClinVar aggregate classification (germline): Uncertain significance (1 of 4 stars; one submission).

Submission:

Labcorp Genetics (formerly Invitae), Labcorp
Classification: Uncertain significance. Last evaluated: 2025-09-15. Review status: criteria provided, single submitter. Criteria: Invitae Variant Classification Sherloc (09022015). Collection method: clinical testing. Allele origin: germline.
Comment: This variant, c.2366_2367insCCCGCCCCCGCC, results in the insertion of 4 amino acid(s) of the SYNPO protein (p.Pro797_Pro800dup), but otherwise preserves the integrity of the reading frame. This variant is present in population databases (no rsID available, gnomAD 0.04%). This variant has not been reported in the literature in individuals affected with SYNPO-related conditions. ClinVar contains an entry for this variant (Variation ID: 2197871). Experimental studies and prediction algorithms are not available or were not evaluated, and the functional significance of this variant is currently unknown. In summary, the available evidence is currently insufficient to determine the role of this variant in disease. Therefore, it has been classified as a Variant of Uncertain Significance.

NM_007286.6(SYNPO):c.2366_2367insCCCGCCCCCGCC (p.Pro800_Arg801insProProProPro)

Gene: SYNPO (synaptopodin; plus strand). Cytogenetic location: 5q33.1.
Variant type: Insertion.
Coding change: c.2366_2367insCCCGCCCCCGCC on transcript NM_007286.6 (MANE Select); coding-DNA positions 2366 to 2367, CCCGCCCCCGCC inserted.
Protein change: p.Pro800_Arg801insProProProPro.
Molecular consequence: inframe insertion.
Genome position: GRCh38 VCF-style: chr5-150656737-G-GCGCCCCCGCCCC. GRCh37 (hg19) VCF-style: chr5-150036299-G-GCGCCCCCGCCCC.
Identifiers: ClinVar variation 2197871 (VCV002197871.4), dbSNP rs1295407232, ClinGen allele CA563957167.